The following is an entry in ClinVar:

NM_004100.5(EYA4):c.1020T>A (p.Asp340Glu)

Gene: EYA4 (EYA transcriptional coactivator and phosphatase 4; plus strand). Cytogenetic location: 6q23.2.
Variant type: single nucleotide variant.
Coding change: c.1020T>A on transcript NM_004100.5 (MANE Select); coding-DNA position 1020, T replaced by A.
Protein change: p.Asp340Glu; replaces aspartic acid 340 with glutamic acid.
Molecular consequence: missense variant.
Genome position (GRCh38, 1-based): chr6:133,481,512, T>A. VCF-style: chr6-133481512-T-A. GRCh37 (hg19) VCF-style: chr6-133802650-T-A.
Other names: c.858T>A, p.Asp286Glu (NM_001301012.2); c.1038T>A, p.Asp346Glu (NM_001301013.2); c.951T>A, p.Asp317Glu (NM_001370458.1, NM_172103.4); c.876T>A, p.Asp292Glu (NM_001370459.1); c.1020T>A, p.Asp340Glu (NM_172105.4); c.1020T>A (NM_004100.4); short protein forms D346E, D292E, D317E, D340E, D286E.
Identifiers: ClinVar variation 2918604 (VCV002918604.5), dbSNP rs769871791, ClinGen allele CA4008224.
Genomic context (GRCh38, chr6:133,481,512, plus strand): 5'-GTTATCTATAGGAGAGTTCGATACCATGCAGAGTCCCTCCACACCCATCAAAGATCTTGA[T>A]GAGAGAACCTGTAGGAGTTCTGGGTCAAAGTCCAGAGGAAGAGGCCGGAAAAATAATCCC-3'
Protein context (NP_004091.3, residues 330-350): QSPSTPIKDL[Asp340Glu]ERTCRSSGSK

ClinVar aggregate classification (germline): Uncertain significance. Review status: criteria provided, multiple submitters, no conflicts (2 of 4 stars). 3 submissions from 3 submitters: Uncertain significance (3). Last evaluated 2026-02-22.

Conditions:
Cardiovascular phenotype. Identifiers: MedGen CN230736.
Autosomal dominant nonsyndromic hearing loss 10. Identifiers: Orphanet 90635, MedGen C1832476, MONDO:0011031, OMIM 601316.
Dilated cardiomyopathy 1J (CMD1J). Also called: CARDIOMYOPATHY, DILATED, WITH SENSORINEURAL HEARING LOSS, AUTOSOMAL DOMINANT. Identifiers: Orphanet 217622, MedGen C1854368, MONDO:0011541, OMIM 605362.

Allele frequency attached by ClinVar (database versions not stated): ExAC 0.00001.
gnomAD v4.1: 4 of 1,613,306 alleles (0.00025%); highest among the groups gnomAD compares: Admixed American, 0.005%; no homozygotes.

Submissions (3):

Ambry Genetics
Classification: Uncertain significance for Cardiovascular phenotype. Last evaluated: 2026-02-22. Review status: criteria provided, single submitter. Criteria: Ambry Variant Classification Scheme 2023. Collection method: clinical testing. Allele origin: germline.
Comment: The p.D340E variant (also known as c.1020T>A), located in coding exon 11 of the EYA4 gene, results from a T to A substitution at nucleotide position 1020. The aspartic acid at codon 340 is replaced by glutamic acid, an amino acid with highly similar properties. This amino acid position is conserved. In addition, this alteration is predicted to be tolerated by in silico analysis. Based on the available evidence, the clinical significance of this variant remains unclear.

Labcorp Genetics (formerly Invitae), Labcorp
Classification: Uncertain significance for Dilated cardiomyopathy 1J. Last evaluated: 2024-10-28. Review status: criteria provided, single submitter. Criteria: Invitae Variant Classification Sherloc (09022015). Collection method: clinical testing. Allele origin: germline.
Comment: This sequence change replaces aspartic acid, which is acidic and polar, with glutamic acid, which is acidic and polar, at codon 340 of the EYA4 protein (p.Asp340Glu). This variant is present in population databases (rs769871791, gnomAD 0.009%). This variant has not been reported in the literature in individuals affected with EYA4-related conditions. Invitae Evidence Modeling of protein sequence and biophysical properties (such as structural, functional, and spatial information, amino acid conservation, physicochemical variation, residue mobility, and thermodynamic stability) indicates that this missense variant is not expected to disrupt EYA4 protein function with a negative predictive value of 80%. In summary, the available evidence is currently insufficient to determine the role of this variant in disease. Therefore, it has been classified as a Variant of Uncertain Significance.

Clinical Genomics Laboratory, Stanford Medicine
Classification: Uncertain significance for Autosomal dominant nonsyndromic hearing loss 10. Last evaluated: 2023-07-07. Review status: criteria provided, single submitter. Criteria: ACMG Guidelines, 2015. Collection method: clinical testing. Allele origin: germline. Observed: 1 variant allele, 1 heterozygote.
Comment: The p.Asp340Glu variant in the EYA4 gene has not been previously reported in association with disease. This variant has been identified in 3/34,580 Latino/Admixed American chromosomes (3/250,688 chromosomes overall) by the Genome Aggregation Database. The aspartic acid at position 340 is evolutionarily conserved. Computational tools predict that the p.Asp340Glu variant is neither deleterious nor benign; however, the accuracy of in silico algorithms is limited. These data were assessed using the ACMG/AMP variant interpretation guidelines. In summary, the significance of the p.Asp340Glu variant is uncertain. Additional information is needed to resolve the significance of this variant. [ACMG evidence codes used: None]